The following is an entry in ClinVar:

NC_012920.1(MT-CYB):m.15233T>C

Gene: MT-CYB (mitochondrially encoded cytochrome b; plus strand).
Variant type: single nucleotide variant.
Genome position: chrM-15233-T-C.
Identifiers: ClinVar variation 693847 (VCV000693847.1), dbSNP rs1603225163, ClinGen allele CA913173311.
Genomic context (GRCh38, chrMT:15,233, plus strand): 5'-GCCACAGTAATTACAAACTTACTATCCGCCATCCCATACATTGGGACAGACCTAGTTCAA[T>C]GAATCTGAGGAGGCTACTCAGTAGACAGTCCCACCCTCACACGATTCTTTACCTTTCACT-3'

ClinVar aggregate classification (germline): Uncertain significance (1 of 4 stars; one submission).

Conditions:
Leigh syndrome (NULS). Also called: Leigh's necrotizing encephalopathy; Leigh's disease; Leigh's syndrome; LEIGH SYNDROME, NUCLEAR; Leigh Syndrome (mtDNA deletion); Leigh Disease. Identifiers: Orphanet 506, MedGen C2931891, MONDO:0009723, OMIM 256000.

Submission:

Wong Mito Lab, Molecular and Human Genetics, Baylor College of Medicine
Classification: Uncertain significance for Leigh syndrome. Last evaluated: 2019-10-17. Review status: criteria provided, single submitter. Criteria: Modified ACMG Guidelines (Unpublished). Collection method: clinical testing. Allele origin: germline.
Comment: The NC_012920.1:m.15233T>C (YP_003024038.1:p.Trp163Arg) variant in MTCYB gene is interpretated to be a Uncertain Significance variant based on the modified ACMG guidelines (unpublished). This variant meets the following evidence codes: PP6, PP7